The following is an entry in ClinVar:

ClinVar aggregate classification (germline): Uncertain significance (1 of 4 stars; one submission).

Conditions:
Charcot-Marie-Tooth disease type 4. Also called: Charcot-Marie-Tooth disease, type IV; Charcot-Marie-Tooth, Type 4. Identifiers: Orphanet 64749, MedGen C4082197, MONDO:0018995.

Submission:

Labcorp Genetics (formerly Invitae), Labcorp
Classification: Uncertain significance for Charcot-Marie-Tooth disease type 4. Last evaluated: 2022-07-05. Review status: criteria provided, single submitter. Criteria: Invitae Variant Classification Sherloc (09022015). Collection method: clinical testing. Allele origin: germline.
Comment: This variant is not present in population databases (gnomAD no frequency). In summary, the available evidence is currently insufficient to determine the role of this variant in disease. Therefore, it has been classified as a Variant of Uncertain Significance. Algorithms developed to predict the effect of missense changes on protein structure and function are either unavailable or do not agree on the potential impact of this missense change (SIFT: "Tolerated"; PolyPhen-2: "Possibly Damaging"; Align-GVGD: "Class C0"). ClinVar contains an entry for this variant (Variation ID: 1034503). This variant has not been reported in the literature in individuals affected with NDRG1-related conditions. This sequence change replaces methionine, which is neutral and non-polar, with isoleucine, which is neutral and non-polar, at codon 156 of the NDRG1 protein (p.Met156Ile).

NM_006096.4(NDRG1):c.468G>A (p.Met156Ile)

Gene: NDRG1 (N-myc downstream regulated 1; minus strand). Cytogenetic location: 8q24.22.
Variant type: single nucleotide variant.
Coding change: c.468G>A on transcript NM_006096.4 (MANE Select); coding-DNA position 468, G replaced by A.
Protein change: p.Met156Ile; replaces methionine 156 with isoleucine.
Molecular consequence: missense variant.
Genome position (GRCh38, 1-based): chr8:133,256,846, C>T on the plus strand (G>A on the coding strand, the complement: NDRG1 is on the minus strand). VCF-style: chr8-133256846-C-T. GRCh37 (hg19) VCF-style: chr8-134269089-C-T.
Other names: c.468G>A, p.Met156Ile (NM_001135242.2, NM_001374844.1, NM_001374845.1 and 1 more transcripts); c.270G>A, p.Met90Ile (NM_001258432.2, NM_001374847.1); c.225G>A, p.Met75Ile (NM_001258433.2); short protein forms M156I, M75I, M90I.
Identifiers: ClinVar variation 1034503 (VCV001034503.8), dbSNP rs1856402568, ClinGen allele CA372255802.
Genomic context (GRCh38, chr8:133,256,846, plus strand): 5'-GGCCCAGTCCATCCAGCCTTCCGCACAAGGGTTCACGTTGATAAGGACAAGGCCCTCCAC[C>T]ATCTCAGGGTTGTTTAGCTGCAATTCAAGACACAAAGTGAGACAGACATCCCAGCAATCT-3'
Protein context (NP_006087.2, residues 146-166): LTRFALNNPE[Met156Ile]VEGLVLINVN